The following is an entry in ClinVar:

GRCh37/hg19 Xp11.4-11.23(chrX:42046069-46491183)x0

Genes: CHST7 (carbohydrate sulfotransferase 7; plus strand), DIPK2B (divergent protein kinase domain 2B; minus strand), DUSP21 (dual specificity phosphatase 21; plus strand), EFHC2 (EF-hand domain containing 2; minus strand), FUNDC1 (FUN14 domain containing 1; minus strand) and 9 more. Cytogenetic location: Xp11.4-11.23.
Variant type: copy number loss.
Change: copy number 0 of chrX:42,046,069-46,491,183 (4.45 Mb, GRCh37 coordinates, 1-based), cytogenetic band Xp11.4-11.23.
Identifiers: ClinVar variation 2685063 (VCV002685063.1).

ClinVar aggregate classification (germline): Pathogenic (1 of 4 stars; one submission).

Submission:

Quest Diagnostics Nichols Institute San Juan Capistrano
Classification: Pathogenic. Last evaluated: 2023-02-24. Review status: criteria provided, single submitter. Criteria: ACMG/ClinGen CNV Guidelines, 2019. Collection method: clinical testing. Allele origin: unknown.
Comment: This deletion interval involves multiple protein-coding genes. Overlapping deletions of Xp11.3 have been reported in multiple individuals (Huang 2022, Jia 2017, Mansoor 2023, Rodriguez-Revenga 2007). Many reported regions involve MAOA and MAOB (OMIM 309860, O'Leary 2012, Saito 2014). Additionally, haploinsufficiency of KDM6A is associated with Kabuki syndrome (OMIM 300867). This region has no similar copy number losses in the general populations of the Database of Genomic Variants. Thus, based on current medical literature and gene content, this copy number variant (CNV) is classified as pathogenic. References: Huang et al., Mol Vis. 2022 Mar 25;28:29-38. PMID: 35656167 Jia et al., J Genet. 2017 Dec;96(6):1015-1020. PMID: 29321361 Mansoor et al., Am J Ophthalmol Case Rep. 2023 Jan 19;29:101798. PMID: 36703904 O'Leary et al., Eur J Med Genet. 2012 May;55(5):349-53. PMID: 22365943 Rodriguez-Revenga et al., Am J Med Genet A. 2007 May 1;143A(9):916-20. PMID: 17431911 Saito et al., Brain Dev. 2014 Jan;36(1):64-9. PMID: 23414621